The following is an entry in ClinVar:

NM_000038.6(APC):c.4065T>C (p.Ser1355=)

Gene: APC (APC regulator of Wnt signaling pathway; plus strand). Cytogenetic location: 5q22.2.
Variant type: single nucleotide variant.
Coding change: c.4065T>C on transcript NM_000038.6 (MANE Select); coding-DNA position 4065, T replaced by C.
Protein change: p.Ser1355=; no amino-acid change (serine 1355 retained).
Molecular consequence: synonymous variant.
Genome position (GRCh38, 1-based): chr5:112,839,659, T>C. VCF-style: chr5-112839659-T-C. GRCh37 (hg19) VCF-style: chr5-112175356-T-C.
Other names: c.4065T>C, p.Ser1355= (NM_001127510.3, NM_001354895.2); c.4011T>C, p.Ser1337= (NM_001127511.3); c.4119T>C, p.Ser1373= (NM_001354896.2); c.4095T>C, p.Ser1365= (NM_001354897.2); c.3990T>C, p.Ser1330= (NM_001354898.2); c.3981T>C, p.Ser1327= (NM_001354899.2); c.3942T>C, p.Ser1314= (NM_001354900.2); c.3888T>C, p.Ser1296= (NM_001354901.2); and 5 more.
Identifiers: ClinVar variation 824561 (VCV000824561.13), dbSNP rs1580643558, ClinGen allele CA445964082.

ClinVar aggregate classification (germline): Benign/Likely benign. Review status: criteria provided, multiple submitters, no conflicts (2 of 4 stars). 4 submissions from 4 submitters: Benign (1); Likely benign (3). Last evaluated 2025-10-26.

Conditions:
Hereditary cancer-predisposing syndrome. Also called: Neoplastic Syndromes, Hereditary; Tumor predisposition; Hereditary neoplastic syndrome; Hereditary Cancer Syndrome. Identifiers: Orphanet 140162, MedGen C0027672, MeSH D009386, MONDO:0015356.
Familial adenomatous polyposis 1 (FAP1). Also called: POLYPOSIS, ADENOMATOUS INTESTINAL; FAMILIAL ADENOMATOUS POLYPOSIS 1, ATTENUATED. Identifiers: MedGen C2713442, MONDO:0021056, OMIM 175100. Disease mechanism: loss of function.

Allele frequency attached by ClinVar (database versions not stated): gnomAD exomes below 0.00001.
gnomAD v4.1: 1 of 1,614,166 alleles (0.000062%); highest among the groups gnomAD compares: Admixed American, 0.0017%; no homozygotes.

Submissions (4):

Labcorp Genetics (formerly Invitae), Labcorp
Classification: Likely benign for Familial adenomatous polyposis 1. Last evaluated: 2025-10-26. Review status: criteria provided, single submitter. Criteria: Invitae Variant Classification Sherloc (09022015). Collection method: clinical testing. Allele origin: germline.

Myriad Genetics, Inc.
Classification: Benign for Familial adenomatous polyposis 1. Last evaluated: 2024-03-25. Review status: criteria provided, single submitter. Criteria: Myriad Autosomal Dominant, Autosomal Recessive and X-Linked Classification Criteria (2023). Collection method: clinical testing. Allele origin: unknown.
Comment: This variant is considered benign. This variant is a silent/synonymous amino acid change and it is not expected to impact splicing.

Sema4
Classification: Likely benign for Hereditary cancer-predisposing syndrome. Last evaluated: 2021-08-02. Review status: criteria provided, single submitter. Criteria: Sema4 Curation Guidelines. Collection method: curation. Allele origin: germline.

Ambry Genetics
Classification: Likely benign for Hereditary cancer-predisposing syndrome. Last evaluated: 2019-06-03. Review status: criteria provided, single submitter. Criteria: Ambry Variant Classification Scheme 2023. Collection method: clinical testing. Allele origin: germline.